The following is an entry in ClinVar:

ClinVar aggregate classification (germline): Pathogenic (1 of 4 stars; one submission).

Conditions:
Osteogenesis imperfecta type I (OI1). Also called: Lobstein's Disease; Lobstein disease; Classic Non-deforming Osteogenesis Imperfecta with Blue Sclerae; OI, TYPE I; OSTEOGENESIS IMPERFECTA TARDA; OSTEOGENESIS IMPERFECTA WITH BLUE SCLERAE. Identifiers: Orphanet 216796, Orphanet 666, MedGen C0023931, MONDO:0008146, OMIM 166200. Disease mechanism: loss of function.

Submission:

Labcorp Genetics (formerly Invitae), Labcorp
Classification: Pathogenic for Osteogenesis imperfecta type I. Last evaluated: 2024-10-31. Review status: criteria provided, single submitter. Criteria: Invitae Variant Classification Sherloc (09022015). Collection method: clinical testing. Allele origin: germline.
Comment: This sequence change creates a premature translational stop signal (p.Pro670Leufs*96) in the COL1A1 gene. It is expected to result in an absent or disrupted protein product. Loss-of-function variants in COL1A1 are known to be pathogenic (PMID: 7942841, 9295084, 9443882). This variant is not present in population databases (gnomAD no frequency). This variant has not been reported in the literature in individuals affected with COL1A1-related conditions. For these reasons, this variant has been classified as Pathogenic.

Literature cited by the submitters: PubMed 7942841; PubMed 9295084; PubMed 9443882.

NM_000088.4(COL1A1):c.2009del (p.Pro670fs)

Gene: COL1A1 (collagen type I alpha 1 chain; minus strand). Cytogenetic location: 17q21.33.
Variant type: Deletion.
Coding change: c.2009del on transcript NM_000088.4 (MANE Select); coding-DNA position 2009, one base deleted (C; older notation c.2009delC).
Protein change: p.Pro670fs; shifts the reading frame from proline 670.
Molecular consequence: frameshift variant.
Genome position (GRCh38, 1-based): chr17:50,191,999, G deleted on the plus strand (C on the coding strand, the reverse complement: COL1A1 is on the minus strand); the first of 4 consecutive G bases (chr17:50,191,999-50,192,002); deleting any one gives the same sequence. VCF-style (leftmost placement, unchanged base first): chr17-50191998-AG-A. GRCh37 (hg19) VCF-style: chr17-48269359-AG-A.
Other names: short protein forms P670fs.
Identifiers: ClinVar variation 3661115 (VCV003661115.2).